The following is an entry in ClinVar:

NM_001080517.3(SETD5):c.1340A>G (p.Lys447Arg)

Gene: SETD5 (SET domain containing 5; plus strand). Cytogenetic location: 3p25.3.
Variant type: single nucleotide variant.
Coding change: c.1340A>G on transcript NM_001080517.3 (MANE Select); coding-DNA position 1340, A replaced by G.
Protein change: p.Lys447Arg; replaces lysine 447 with arginine.
Molecular consequence: missense variant.
Genome position (GRCh38, 1-based): chr3:9,445,200, A>G. VCF-style: chr3-9445200-A-G. GRCh37 (hg19) VCF-style: chr3-9486884-A-G.
Other names: c.1046A>G, p.Lys349Arg (NM_001292043.2, NM_001349451.2); c.1340A>G (NM_001080517.1); short protein forms K349R, K447R.
Identifiers: ClinVar variation 1476892 (VCV001476892.9), dbSNP rs200137965, ClinGen allele CA2239141.
Genomic context (GRCh38, chr3:9,445,200, plus strand): 5'-CACCTCCTCCAAGCCTACCCACCATTGGAGCAGAGACTAGACGTAGAAAAGCACGACGGA[A>G]AGAGCTAGAGATGGAGCAGCAGAATGAGGCTTCAGAGGAGAATAATGACCAGCAATCACA-3'
Protein context (NP_001073986.1, residues 437-457): AETRRRKARR[Lys447Arg]ELEMEQQNEA

ClinVar aggregate classification (germline): Conflicting classifications of pathogenicity. Review status: criteria provided, conflicting classifications (1 of 4 stars). 3 submissions from 3 submitters: Uncertain significance (2); Likely benign (1). Last evaluated 2026-01-05.

Conditions:
Intellectual disability-facial dysmorphism syndrome due to SETD5 haploinsufficiency (MRD23). Also called: Intellectual developmental disorder, autosomal dominant 23. Identifiers: Orphanet 404440, MedGen C3810406, MONDO:0014336, OMIM 615761.
Inborn genetic diseases. Identifiers: MedGen C0950123, MeSH D030342.

Allele frequency attached by ClinVar (database versions not stated): gnomAD 0.00001; gnomAD exomes 0.00001 and 0.00003; ExAC 0.00002; TOPMed 0.00002; ESP Exome Variant Server 0.00008.
gnomAD v4.1: 42 of 1,613,746 alleles (0.0026%); highest among the groups gnomAD compares: Non-Finnish European, 0.0035%; no homozygotes.

Submissions (3):

Labcorp Genetics (formerly Invitae), Labcorp
Classification: Uncertain significance. Last evaluated: 2026-01-05. Review status: criteria provided, single submitter. Criteria: Invitae Variant Classification Sherloc (09022015). Collection method: clinical testing. Allele origin: germline.
Comment: This sequence change replaces lysine, which is basic and polar, with arginine, which is basic and polar, at codon 447 of the SETD5 protein (p.Lys447Arg). This variant is present in population databases (rs200137965, gnomAD 0.004%). This variant has not been reported in the literature in individuals affected with SETD5-related conditions. ClinVar contains an entry for this variant (Variation ID: 1476892). Invitae Evidence Modeling of protein sequence and biophysical properties (such as structural, functional, and spatial information, amino acid conservation, physicochemical variation, residue mobility, and thermodynamic stability) indicates that this missense variant is not expected to disrupt SETD5 protein function with a negative predictive value of 80%. In summary, the available evidence is currently insufficient to determine the role of this variant in disease. Therefore, it has been classified as a Variant of Uncertain Significance.

Ambry Genetics
Classification: Likely benign for Inborn genetic diseases. Last evaluated: 2022-10-26. Review status: criteria provided, single submitter. Criteria: Ambry Variant Classification Scheme 2023. Collection method: clinical testing. Allele origin: germline.

Revvity Omics, Revvity
Classification: Uncertain significance for Intellectual disability-facial dysmorphism syndrome due to SETD5 haploinsufficiency. Last evaluated: 2022-01-10. Review status: criteria provided, single submitter. Criteria: ACMG Guidelines, 2015. Collection method: clinical testing. Allele origin: germline.